The following is an entry in ClinVar:

NM_001330360.2(POLA1):c.3335A>G (p.Asp1112Gly)

Gene: POLA1 (DNA polymerase alpha 1, catalytic subunit; plus strand). Cytogenetic location: Xp22.11.
Variant type: single nucleotide variant.
Coding change: c.3335A>G on transcript NM_001330360.2 (MANE Select); coding-DNA position 3335, A replaced by G.
Protein change: p.Asp1112Gly; replaces aspartic acid 1112 with glycine.
Molecular consequence: missense variant. On other transcripts: non-coding transcript variant (2).
Genome position (GRCh38, 1-based): chrX:24,815,017, A>G. VCF-style: chrX-24815017-A-G. GRCh37 (hg19) VCF-style: chrX-24833134-A-G.
Other names: c.3260A>G, p.Asp1087Gly (NM_001378303.1); c.3317A>G, p.Asp1106Gly (NM_016937.4); short protein forms D1087G, D1106G, D1112G.
Identifiers: ClinVar variation 3710608 (VCV003710608.2).

ClinVar aggregate classification (germline): Uncertain significance (1 of 4 stars; one submission).

Submission:

Labcorp Genetics (formerly Invitae), Labcorp
Classification: Uncertain significance. Last evaluated: 2025-02-13. Review status: criteria provided, single submitter. Criteria: Invitae Variant Classification Sherloc (09022015). Collection method: clinical testing. Allele origin: germline.
Comment: This sequence change replaces aspartic acid, which is acidic and polar, with glycine, which is neutral and non-polar, at codon 1106 of the POLA1 protein (p.Asp1106Gly). The frequency data for this variant in the population databases is considered unreliable, as metrics indicate poor data quality at this position in the gnomAD database. This variant has not been reported in the literature in individuals affected with POLA1-related conditions. Invitae Evidence Modeling of protein sequence and biophysical properties (such as structural, functional, and spatial information, amino acid conservation, physicochemical variation, residue mobility, and thermodynamic stability) indicates that this missense variant is expected to disrupt POLA1 protein function with a positive predictive value of 80%. In summary, the available evidence is currently insufficient to determine the role of this variant in disease. Therefore, it has been classified as a Variant of Uncertain Significance.